The following is an entry in ClinVar:

ClinVar aggregate classification (germline): Uncertain significance (1 of 4 stars; one submission).

Submission:

Women's Health and Genetics/Laboratory Corporation of America, LabCorp
Classification: Uncertain significance. Last evaluated: 2024-11-11. Review status: criteria provided, single submitter. Criteria: LabCorp Variant Classification Summary - May 2015. Collection method: clinical testing. Allele origin: germline.
Comment: Variant summary: NEXMIF c.4292A>C (p.Tyr1431Ser) results in a non-conservative amino acid change in the encoded protein sequence. Four of five in-silico tools predict a benign effect of the variant on protein function. The variant was absent in 1211623 control chromosomes. The available data on variant occurrences in the general population are insufficient to allow any conclusion about variant significance. To our knowledge, no occurrence of c.4292A>C in individuals affected with Intellectual Developmental Disorder, X-Linked 98 and no experimental evidence demonstrating its impact on protein function have been reported. No submitters have cited clinical-significance assessments for this variant to ClinVar. Based on the evidence outlined above, the variant was classified as uncertain significance.

NM_001008537.3(NEXMIF):c.4292A>C (p.Tyr1431Ser)

Gene: NEXMIF (neurite extension and migration factor; minus strand). Cytogenetic location: Xq13.3.
Variant type: single nucleotide variant.
Coding change: c.4292A>C on transcript NM_001008537.3 (MANE Select); coding-DNA position 4292, A replaced by C.
Protein change: p.Tyr1431Ser; replaces tyrosine 1431 with serine.
Molecular consequence: missense variant.
Genome position (GRCh38, 1-based): chrX:74,740,265, T>G on the plus strand (A>C on the coding strand, the complement: NEXMIF is on the minus strand). VCF-style: chrX-74740265-T-G. GRCh37 (hg19) VCF-style: chrX-73960100-T-G.
Other names: short protein forms Y1431S.
Identifiers: ClinVar variation 3629719 (VCV003629719.1).